The following is an entry in ClinVar:

NM_001378030.1(CCDC78):c.211A>G (p.Thr71Ala)

Gene: CCDC78 (coiled-coil domain containing 78; minus strand). Cytogenetic location: 16p13.3.
Variant type: single nucleotide variant.
Coding change: c.211A>G on transcript NM_001378030.1 (MANE Select); coding-DNA position 211, A replaced by G.
Protein change: p.Thr71Ala; replaces threonine 71 with alanine.
Molecular consequence: missense variant. On other transcripts: 5 prime UTR variant (1), non-coding transcript variant (5).
Genome position (GRCh38, 1-based): chr16:725,850, T>C on the plus strand (A>G on the coding strand, the complement: CCDC78 is on the minus strand). VCF-style: chr16-725850-T-C. GRCh37 (hg19) VCF-style: chr16-775850-T-C.
Other names: c.211A>G, p.Thr71Ala (NM_001031737.3, NM_001378031.1); c.-75A>G (NM_001378033.1); short protein forms T71A.
Identifiers: ClinVar variation 1062739 (VCV001062739.9), dbSNP rs750616701, ClinGen allele CA7789704.
Genomic context (GRCh38, chr16:725,850, plus strand): 5'-TCACCTCACTCTTCAGCTGGAAGATTTCAGCCTCATGCTGCTCATGTAGGTGGTGGGTTG[T>C]GATCTGAATGTCGACCAGCTCCTTGGAGATCTGTGGGTGGCCAGGTGAGAGGTGGCGTCT-3'
Protein context (NP_001364959.1, residues 61-81): ISKELVDIQI[Thr71Ala]THHLHEQHEA

ClinVar aggregate classification (germline): Uncertain significance (1 of 4 stars; one submission).

Conditions:
Congenital myopathy with internal nuclei and atypical cores. Also called: Myopathy, centronuclear, 4. Identifiers: Orphanet 319160, MedGen C4707232, MONDO:0013890, OMIM 614807.

Allele frequency attached by ClinVar (database versions not stated): gnomAD exomes below 0.00001; TOPMed below 0.00001; gnomAD 0.00001; ExAC 0.00002.
gnomAD v4.1: 3 of 1,611,412 alleles (0.00019%); highest among the groups gnomAD compares: Non-Finnish European, 0.00025%; no homozygotes.

Submission:

Labcorp Genetics (formerly Invitae), Labcorp
Classification: Uncertain significance for Congenital myopathy with internal nuclei and atypical cores. Last evaluated: 2025-07-14. Review status: criteria provided, single submitter. Criteria: Invitae Variant Classification Sherloc (09022015). Collection method: clinical testing. Allele origin: germline.
Comment: This sequence change replaces threonine, which is neutral and polar, with alanine, which is neutral and non-polar, at codon 71 of the CCDC78 protein (p.Thr71Ala). The frequency data for this variant in the population databases is considered unreliable, as metrics indicate poor data quality at this position in the gnomAD database. This variant has not been reported in the literature in individuals affected with CCDC78-related conditions. ClinVar contains an entry for this variant (Variation ID: 1062739). Invitae Evidence Modeling of protein sequence and biophysical properties (such as structural, functional, and spatial information, amino acid conservation, physicochemical variation, residue mobility, and thermodynamic stability) indicates that this missense variant is not expected to disrupt CCDC78 protein function with a negative predictive value of 80%. In summary, the available evidence is currently insufficient to determine the role of this variant in disease. Therefore, it has been classified as a Variant of Uncertain Significance.